The following is an entry in ClinVar:

ClinVar aggregate classification (germline): Likely pathogenic (1 of 4 stars; one submission).

Conditions:
Joubert syndrome. Also called: CEREBELLOPARENCHYMAL DISORDER IV; JOUBERT-BOLTSHAUSER SYNDROME; Familial aplasia of the vermis. Identifiers: Orphanet 475, MedGen C5979921, MONDO:0018772.

Submission:

Labcorp Genetics (formerly Invitae), Labcorp
Classification: Likely pathogenic for Joubert syndrome. Last evaluated: 2023-12-13. Review status: criteria provided, single submitter. Criteria: Invitae Variant Classification Sherloc (09022015). Collection method: clinical testing. Allele origin: germline.
Comment: This sequence change affects an acceptor splice site in intron 25 of the AHI1 gene. It is expected to disrupt RNA splicing. Variants that disrupt the donor or acceptor splice site typically lead to a loss of protein function (PMID: 16199547), and loss-of-function variants in AHI1 are known to be pathogenic (PMID: 15322546, 16453322, 28442542, 29186038). This variant is not present in population databases (gnomAD no frequency). This variant has not been reported in the literature in individuals affected with AHI1-related conditions. Algorithms developed to predict the effect of sequence changes on RNA splicing suggest that this variant may disrupt the consensus splice site. In summary, the currently available evidence indicates that the variant is pathogenic, but additional data are needed to prove that conclusively. Therefore, this variant has been classified as Likely Pathogenic.

Literature cited by the submitters: PubMed 16199547; PubMed 15322546; PubMed 16453322; PubMed 28442542; PubMed 29186038.

NM_001134831.2(AHI1):c.3427-1G>A

Gene: AHI1 (Abelson helper integration site 1; minus strand). Cytogenetic location: 6q23.3.
Variant type: single nucleotide variant.
Coding change: c.3427-1G>A on transcript NM_001134831.2 (MANE Select); the canonical splice acceptor site of the intron before coding-DNA position 3427, G replaced by A.
Molecular consequence: splice acceptor variant.
Genome position (GRCh38, 1-based): chr6:135,300,559, C>T on the plus strand (G>A on the coding strand, the complement: AHI1 is on the minus strand). VCF-style: chr6-135300559-C-T. GRCh37 (hg19) VCF-style: chr6-135621697-C-T.
Other names: c.3427-1G>A (NM_001134830.2, NM_001350503.2, NM_017651.5 and 1 more transcripts).
Identifiers: ClinVar variation 2996316 (VCV002996316.3), dbSNP rs2483057578, ClinGen allele CA365841365.